The following is an entry in ClinVar:

ClinVar aggregate classification (germline): Uncertain significance. Review status: criteria provided, multiple submitters, no conflicts (2 of 4 stars). 2 submissions from 2 submitters: Uncertain significance (2). Last evaluated 2024-03-12.

Conditions:
Nephronophthisis. Also called: Juvenile Nephronophthisis. Identifiers: Orphanet 655, MedGen C0687120, MONDO:0019005, HP:0000090.
Nephronophthisis 4 (NPHP4). Also called: NEPHRONOPHTHISIS 4, JUVENILE. Identifiers: Orphanet 655, MedGen C1847013, MONDO:0011752, OMIM 606966.
Senior-Loken syndrome 4 (SLSN4). Identifiers: Orphanet 3156, MedGen C1846979, MONDO:0011756, OMIM 606996.

Allele frequency attached by ClinVar (database versions not stated): TOPMed 0.00002.
gnomAD v4.1: 7 of 1,613,246 alleles (0.00043%); highest among the groups gnomAD compares: Non-Finnish European, 0.00059%; no homozygotes.

Submissions (2):

Fulgent Genetics
Classification: Uncertain significance for Nephronophthisis 4; Senior-Loken syndrome 4. Last evaluated: 2024-03-12. Review status: criteria provided, single submitter. Criteria: ACMG Guidelines, 2015. Collection method: clinical testing. Allele origin: germline.

Labcorp Genetics (formerly Invitae), Labcorp
Classification: Uncertain significance for Nephronophthisis. Last evaluated: 2022-07-19. Review status: criteria provided, single submitter. Criteria: Invitae Variant Classification Sherloc (09022015). Collection method: clinical testing. Allele origin: germline.
Comment: In summary, the available evidence is currently insufficient to determine the role of this variant in disease. Therefore, it has been classified as a Variant of Uncertain Significance. Algorithms developed to predict the effect of missense changes on protein structure and function are either unavailable or do not agree on the potential impact of this missense change (SIFT: "Deleterious"; PolyPhen-2: "Probably Damaging"; Align-GVGD: "Class C15"). ClinVar contains an entry for this variant (Variation ID: 1010230). This variant has not been reported in the literature in individuals affected with NPHP4-related conditions. This variant is not present in population databases (gnomAD no frequency). This sequence change replaces tyrosine, which is neutral and polar, with phenylalanine, which is neutral and non-polar, at codon 1356 of the NPHP4 protein (p.Tyr1356Phe).

NM_015102.5(NPHP4):c.4067A>T (p.Tyr1356Phe)

Gene: NPHP4 (nephrocystin 4; minus strand). Cytogenetic location: 1p36.31.
Variant type: single nucleotide variant.
Coding change: c.4067A>T on transcript NM_015102.5 (MANE Select); coding-DNA position 4067, A replaced by T.
Protein change: p.Tyr1356Phe; replaces tyrosine 1356 with phenylalanine.
Molecular consequence: missense variant. On other transcripts: non-coding transcript variant (1).
Genome position (GRCh38, 1-based): chr1:5,863,963, T>A on the plus strand (A>T on the coding strand, the complement: NPHP4 is on the minus strand). VCF-style: chr1-5863963-T-A. GRCh37 (hg19) VCF-style: chr1-5924023-T-A.
Other names: c.2528A>T, p.Tyr843Phe (NM_001291593.2); c.2531A>T, p.Tyr844Phe (NM_001291594.2); short protein forms Y1356F, Y843F, Y844F.
Identifiers: ClinVar variation 1010230 (VCV001010230.9), dbSNP rs747071185, ClinGen allele CA338049026.